The following is an entry in ClinVar:

ClinVar aggregate classification (germline): Likely benign (0 of 4 stars; one submission).

Conditions:
RAI1-related disorder. Also called: RAI1-related condition.

Submission:

PreventionGenetics, part of Exact Sciences
Classification: Likely benign for RAI1-related condition. Last evaluated: 2024-05-20. Review status: no assertion criteria provided. Collection method: clinical testing. Allele origin: germline.
Comment: This variant is classified as likely benign based on ACMG/AMP sequence variant interpretation guidelines (Richards et al. 2015 PMID: 25741868, with internal and published modifications).

NM_030665.4(RAI1):c.-148-61C>T

Gene: RAI1 (retinoic acid induced 1; plus strand). Cytogenetic location: 17p11.2.
Variant type: single nucleotide variant.
Coding change: c.-148-61C>T on transcript NM_030665.4 (MANE Select); 61 bases into the intron before 148 bases upstream of the start codon, C replaced by T.
Molecular consequence: intron variant.
Genome position (GRCh38, 1-based): chr17:17,723,967, C>T. VCF-style: chr17-17723967-C-T. GRCh37 (hg19) VCF-style: chr17-17627281-C-T.
Identifiers: ClinVar variation 3358587 (VCV003358587.1).